The following is an entry in ClinVar:

ClinVar aggregate classification (germline): Benign/Likely benign. Review status: criteria provided, multiple submitters, no conflicts (2 of 4 stars). 6 submissions from 6 submitters: Benign (5); Likely benign (1). Last evaluated 2026-01-31.

Conditions:
Muscular dystrophy-dystroglycanopathy (limb-girdle), type C, 8. Also called: MUSCULAR DYSTROPHY, LIMB-GIRDLE, AUTOSOMAL RECESSIVE 24; MUSCULAR DYSTROPHY-DYSTROGLYCANOPATHY, LIMB-GIRDLE, POMGNT2-RELATED. Identifiers: MedGen C4748320, MONDO:0029135, OMIM 618135.
Muscular dystrophy-dystroglycanopathy (congenital with brain and eye anomalies), type a, 8 (MDDGA8). Also called: WALKER-WARBURG SYNDROME OR MUSCLE-EYE-BRAIN DISEASE, GTDC2-RELATED. Identifiers: Orphanet 899, MedGen C3553813, MONDO:0013904, OMIM 614830.

Allele frequency attached by ClinVar (database versions not stated): TOPMed 0.01383; ESP Exome Variant Server 0.01438; 1000 Genomes Project 0.01617; 1000 Genomes Project 30x 0.01843.
gnomAD v4.1: 3,784 of 1,613,812 alleles (0.23%); highest among the groups gnomAD compares: African/African-American, 4.4%; 64 homozygotes.

Submissions (6):

Labcorp Genetics (formerly Invitae), Labcorp
Classification: Benign for Muscular dystrophy-dystroglycanopathy (congenital with brain and eye anomalies), type a, 8. Last evaluated: 2026-01-31. Review status: criteria provided, single submitter. Criteria: Invitae Variant Classification Sherloc (09022015). Collection method: clinical testing. Allele origin: germline.

Fulgent Genetics
Classification: Likely benign for Muscular dystrophy-dystroglycanopathy (congenital with brain and eye anomalies), type a, 8; Muscular dystrophy-dystroglycanopathy (limb-girdle), type C, 8. Last evaluated: 2021-08-17. Review status: criteria provided, single submitter. Criteria: ACMG Guidelines, 2015. Collection method: clinical testing. Allele origin: unknown.

Mayo Clinic Laboratories, Mayo Clinic
Classification: Benign. Last evaluated: 2018-12-06. Review status: criteria provided, single submitter. Criteria: ACMG Guidelines, 2015. Collection method: clinical testing. Allele origin: germline. Observed: 3 variant alleles.

Center for Pediatric Genomic Medicine, Children's Mercy Hospital and Clinics
Classification: Benign. Last evaluated: 2017-01-13. Review status: criteria provided, single submitter. Criteria: ACMG Guidelines, 2015. Collection method: clinical testing. Allele origin: germline.

GeneDx
Classification: Benign. Last evaluated: 2016-08-10. Review status: criteria provided, single submitter. Criteria: GeneDx Variant Classification (06012015). Collection method: clinical testing. Allele origin: germline. Affected: yes.
Comment: This variant is considered likely benign or benign based on one or more of the following criteria: it is a conservative change, it occurs at a poorly conserved position in the protein, it is predicted to be benign by multiple in silico algorithms, and/or has population frequency not consistent with disease.

Breakthrough Genomics
Classification: Benign. Review status: criteria provided, single submitter. Criteria: ACMG Guidelines, 2015. Collection method: not provided. Allele origin: germline. Inheritance: Autosomal recessive inheritance. Affected: yes.

NM_032806.6(POMGNT2):c.1385G>T (p.Arg462Leu)

Gene: POMGNT2 (protein O-linked mannose N-acetylglucosaminyltransferase 2 (beta 1,4-); minus strand). Cytogenetic location: 3p22.1.
Variant type: single nucleotide variant.
Coding change: c.1385G>T on transcript NM_032806.6 (MANE Select); coding-DNA position 1385, G replaced by T.
Protein change: p.Arg462Leu; replaces arginine 462 with leucine.
Molecular consequence: missense variant.
Genome position (GRCh38, 1-based): chr3:43,080,047, C>A on the plus strand (G>T on the coding strand, the complement: POMGNT2 is on the minus strand). VCF-style: chr3-43080047-C-A. GRCh37 (hg19) VCF-style: chr3-43121539-C-A.
Other names: p.Arg462Leu; short protein forms R462L.
Identifiers: ClinVar variation 377356 (VCV000377356.15), dbSNP rs34083889, ClinGen allele CA2339859.